The following is an entry in ClinVar:

NM_005802.5(TOPORS):c.2633C>A (p.Thr878Lys)

Gene: TOPORS (TOP1 binding arginine/serine rich protein, E3 ubiquitin ligase; minus strand). Cytogenetic location: 9p21.1.
Variant type: single nucleotide variant.
Coding change: c.2633C>A on transcript NM_005802.5 (MANE Select); coding-DNA position 2633, C replaced by A.
Protein change: p.Thr878Lys; replaces threonine 878 with lysine.
Molecular consequence: missense variant.
Genome position (GRCh38, 1-based): chr9:32,541,892, G>T on the plus strand (C>A on the coding strand, the complement: TOPORS is on the minus strand). VCF-style: chr9-32541892-G-T. GRCh37 (hg19) VCF-style: chr9-32541890-G-T.
Other names: c.2633C>A (NM_005802.4); c.2438C>A, p.Thr813Lys (NM_001195622.2); short protein forms T813K, T878K.
Identifiers: ClinVar variation 1003382 (VCV001003382.10), dbSNP rs373192754, ClinGen allele CA5020339.

ClinVar aggregate classification (germline): Uncertain significance. Review status: criteria provided, multiple submitters, no conflicts (2 of 4 stars). 3 submissions from 3 submitters: Uncertain significance (3). Last evaluated 2025-10-01.

Allele frequency attached by ClinVar (database versions not stated): ESP Exome Variant Server 0.00008; TOPMed 0.00001.

Submissions (3):

Labcorp Genetics (formerly Invitae), Labcorp
Classification: Uncertain significance. Last evaluated: 2025-10-01. Review status: criteria provided, single submitter. Criteria: Invitae Variant Classification Sherloc (09022015). Collection method: clinical testing. Allele origin: germline.
Comment: This sequence change replaces threonine, which is neutral and polar, with lysine, which is basic and polar, at codon 878 of the TOPORS protein (p.Thr878Lys). This variant is present in population databases (rs373192754, gnomAD 0.003%). This variant has not been reported in the literature in individuals affected with TOPORS-related conditions. ClinVar contains an entry for this variant (Variation ID: 1003382). Experimental studies and prediction algorithms are not available or were not evaluated, and the functional significance of this variant is currently unknown. In summary, the available evidence is currently insufficient to determine the role of this variant in disease. Therefore, it has been classified as a Variant of Uncertain Significance.

GeneDx
Classification: Uncertain significance. Last evaluated: 2025-07-12. Review status: criteria provided, single submitter. Criteria: GeneDx Variant Classification Process June 2021. Collection method: clinical testing. Allele origin: germline. Affected: yes.
Comment: Not observed at significant frequency in large population cohorts (gnomAD); In silico analysis suggests that this missense variant does not alter protein structure/function; Has not been previously published as pathogenic or benign to our knowledge

Blueprint Genetics
Classification: Uncertain significance. Last evaluated: 2024-06-06. Review status: criteria provided, single submitter. Criteria: ACMG Guidelines, 2015. Collection method: clinical testing. Allele origin: germline.